The following is an entry in ClinVar:

ClinVar aggregate classification (germline): Uncertain significance (1 of 4 stars; one submission).

Allele frequency attached by ClinVar (database versions not stated): gnomAD exomes below 0.00001; ExAC 0.00001; TOPMed 0.00001.
gnomAD v4.1: 2 of 1,612,340 alleles (0.00012%); highest among the groups gnomAD compares: Admixed American, 0.0033%; no homozygotes.

Submission:

Labcorp Genetics (formerly Invitae), Labcorp
Classification: Uncertain significance. Last evaluated: 2023-09-10. Review status: criteria provided, single submitter. Criteria: Invitae Variant Classification Sherloc (09022015). Collection method: clinical testing. Allele origin: germline.
Comment: Advanced modeling of protein sequence and biophysical properties (such as structural, functional, and spatial information, amino acid conservation, physicochemical variation, residue mobility, and thermodynamic stability) performed at Invitae indicates that this missense variant is not expected to disrupt STAG1 protein function. In summary, the available evidence is currently insufficient to determine the role of this variant in disease. Therefore, it has been classified as a Variant of Uncertain Significance. This sequence change replaces aspartic acid, which is acidic and polar, with glutamic acid, which is acidic and polar, at codon 112 of the STAG1 protein (p.Asp112Glu). This variant is present in population databases (rs772216100, gnomAD 0.006%). This variant has not been reported in the literature in individuals affected with STAG1-related conditions.

NM_005862.3(STAG1):c.336C>G (p.Asp112Glu)

Gene: STAG1 (STAG1 cohesin complex component; minus strand). Cytogenetic location: 3q22.3.
Variant type: single nucleotide variant.
Coding change: c.336C>G on transcript NM_005862.3 (MANE Select); coding-DNA position 336, C replaced by G.
Protein change: p.Asp112Glu; replaces aspartic acid 112 with glutamic acid.
Molecular consequence: missense variant.
Genome position (GRCh38, 1-based): chr3:136,568,823, G>C on the plus strand (C>G on the coding strand, the complement: STAG1 is on the minus strand). VCF-style: chr3-136568823-G-C. GRCh37 (hg19) VCF-style: chr3-136287665-G-C.
Other names: short protein forms D112E.
Identifiers: ClinVar variation 2712808 (VCV002712808.3), dbSNP rs772216100, ClinGen allele CA2633215.